The following is an entry in ClinVar:

ClinVar aggregate classification (germline): Conflicting classifications of pathogenicity. Review status: criteria provided, conflicting classifications (1 of 4 stars). 3 submissions from 3 submitters: Pathogenic (1); Likely pathogenic (1); Uncertain significance (1). Last evaluated 2024-06-24.

Conditions:
EMC1-related disorder. Also called: EMC1-related condition.

Allele frequency attached by ClinVar (database versions not stated): ExAC 0.00001; gnomAD 0.00001; gnomAD exomes 0.00001; TOPMed 0.00001.
gnomAD v4.1: 23 of 1,613,612 alleles (0.0014%); highest among the groups gnomAD compares: South Asian, 0.0077%; no homozygotes.

Submissions (3):

Labcorp Genetics (formerly Invitae), Labcorp
Classification: Pathogenic. Last evaluated: 2024-06-24. Review status: criteria provided, single submitter. Criteria: Invitae Variant Classification Sherloc (09022015). Collection method: clinical testing. Allele origin: germline.
Comment: This sequence change creates a premature translational stop signal (p.Arg859*) in the EMC1 gene. It is expected to result in an absent or disrupted protein product. Loss-of-function variants in EMC1 are known to be pathogenic (PMID: 26572623, 26942288, 29271071). This variant is present in population databases (rs764914973, gnomAD 0.02%). This variant has not been reported in the literature in individuals affected with EMC1-related conditions. ClinVar contains an entry for this variant (Variation ID: 1400926). For these reasons, this variant has been classified as Pathogenic.

GeneDx
Classification: Uncertain significance. Last evaluated: 2023-03-14. Review status: criteria provided, single submitter. Criteria: GeneDx Variant Classification Process June 2021. Collection method: clinical testing. Allele origin: germline. Affected: yes.
Comment: Nonsense variant predicted to result in protein truncation or nonsense mediated decay in a gene for which loss of function is a known mechanism of disease; Has not been previously published as pathogenic or benign to our knowledge; This variant is associated with the following publications: (PMID: 26572623, 29271071, 26942288)

Blueprint Genetics
Classification: Likely pathogenic for EMC1-related disorders. Last evaluated: 2021-12-24. Review status: criteria provided, single submitter. Criteria: ACMG Guidelines, 2015. Collection method: clinical testing. Allele origin: germline. Affected: yes. Observed: 2 variant alleles.

Literature cited by the submitters: PubMed 26572623 (cited by Labcorp Genetics (formerly Invitae), Labcorp); PubMed 26942288 (cited by Labcorp Genetics (formerly Invitae), Labcorp); PubMed 29271071 (cited by Labcorp Genetics (formerly Invitae), Labcorp).

NM_015047.3(EMC1):c.2575C>T (p.Arg859Ter)

Genes: EMC1 (ER membrane protein complex subunit 1; minus strand), EMC1-AS1 (EMC1 antisense RNA 1; plus strand). Cytogenetic location: 1p36.13.
Variant type: single nucleotide variant.
Coding change: c.2575C>T on transcript NM_015047.3 (MANE Select); coding-DNA position 2575, C replaced by T.
Protein change: p.Arg859Ter; replaces arginine 859 with a stop codon.
Molecular consequence: nonsense.
Genome position (GRCh38, 1-based): chr1:19,222,636, G>A on the plus strand (C>T on the coding strand, the complement: EMC1 is on the minus strand). VCF-style: chr1-19222636-G-A. GRCh37 (hg19) VCF-style: chr1-19549130-G-A.
Other names: c.2575C>T (NM_015047.2); c.2572C>T, p.Arg858Ter (NM_001271427.2, NM_001271428.2); c.2509C>T, p.Arg837Ter (NM_001271429.2); c.2584C>T, p.Arg862Ter (NM_001375820.1); c.2581C>T, p.Arg861Ter (NM_001375821.1); short protein forms R859*, R861*, R862*, R837*, R858*.
Identifiers: ClinVar variation 1400926 (VCV001400926.7), dbSNP rs764914973, ClinGen allele CA652240.